The following is an entry in ClinVar:

ClinVar aggregate classification (germline): Uncertain significance (1 of 4 stars; one submission).

Conditions:
Pheochromocytoma. Also called: MAX-Related Hereditary Paraganglioma-Pheochromocytoma Syndrome. Identifiers: Orphanet 29072, MedGen C0031511, MONDO:0008233, OMIM 171300, HP:0002666.
Gastrointestinal stromal tumor. Also called: Gastrointestinal stroma tumor; Gastrointestinal stromal tumor, somatic. Identifiers: Orphanet 44890, MedGen C0238198, MeSH D046152, MONDO:0011719, OMIM 606764, HP:0100723.
Pheochromocytoma/paraganglioma syndrome 4. Also called: CAROTID BODY TUMORS AND MULTIPLE EXTRAADRENAL PHEOCHROMOCYTOMAS; PARAGANGLIOMA, FAMILIAL MALIGNANT; PARAGANGLIOMAS, HEREDITARY EXTRAADRENAL; PHEOCHROMOCYTOMA, FAMILIAL EXTRAADRENAL; Paragangliomas 4; SDHB-Related Hereditary Paraganglioma-Pheochromocytoma Syndrome (Paragangliomas 4). Identifiers: Orphanet 29072, MedGen C1861848, MONDO:0007273, OMIM 115310.

Submission:

Labcorp Genetics (formerly Invitae), Labcorp
Classification: Uncertain significance for Gastrointestinal stromal tumor; Pheochromocytoma/paraganglioma syndrome 4; Pheochromocytoma. Last evaluated: 2022-10-12. Review status: criteria provided, single submitter. Criteria: Invitae Variant Classification Sherloc (09022015). Collection method: clinical testing. Allele origin: germline.
Comment: In summary, the available evidence is currently insufficient to determine the role of this variant in disease. Therefore, it has been classified as a Variant of Uncertain Significance. Algorithms developed to predict the effect of sequence changes on RNA splicing suggest that this variant may disrupt the consensus splice site. Advanced modeling of protein sequence and biophysical properties (such as structural, functional, and spatial information, amino acid conservation, physicochemical variation, residue mobility, and thermodynamic stability) performed at Invitae indicates that this missense variant is not expected to disrupt SDHB protein function. This variant has not been reported in the literature in individuals affected with SDHB-related conditions. This variant is not present in population databases (gnomAD no frequency). This sequence change replaces glutamic acid, which is acidic and polar, with lysine, which is basic and polar, at codon 82 of the SDHB protein (p.Glu82Lys).

NM_003000.3(SDHB):c.244G>A (p.Glu82Lys)

Gene: SDHB (succinate dehydrogenase complex iron sulfur subunit B; minus strand). Cytogenetic location: 1p36.13.
Variant type: single nucleotide variant.
Coding change: c.244G>A on transcript NM_003000.3 (MANE Select); coding-DNA position 244, G replaced by A.
Protein change: p.Glu82Lys; replaces glutamic acid 82 with lysine.
Molecular consequence: missense variant.
Genome position (GRCh38, 1-based): chr1:17,033,102, C>T on the plus strand (G>A on the coding strand, the complement: SDHB is on the minus strand). VCF-style: chr1-17033102-C-T. GRCh37 (hg19) VCF-style: chr1-17359597-C-T.
Other names: c.244G>A, p.Glu82Lys (NM_001407361.1); short protein forms E82K.
Identifiers: ClinVar variation 2009029 (VCV002009029.4), dbSNP rs2525031586, ClinGen allele CA338276538.